The following is an entry in ClinVar:

ClinVar aggregate classification (germline): Pathogenic (1 of 4 stars; one submission).

Submission:

Labcorp Genetics (formerly Invitae), Labcorp
Classification: Pathogenic. Last evaluated: 2025-07-22. Review status: criteria provided, single submitter. Criteria: Invitae Variant Classification Sherloc (09022015). Collection method: clinical testing. Allele origin: germline.
Comment: This sequence change creates a premature translational stop signal (p.Glu488Argfs*68) in the LZTR1 gene. It is expected to result in an absent or disrupted protein product. Loss-of-function variants in LZTR1 are known to be pathogenic (PMID: 24362817, 25335493, 25480913, 25795793, 29469822, 30368668, 30442762, 30442766, 30481304, 30859559). This variant is not present in population databases (gnomAD no frequency). This variant has not been reported in the literature in individuals affected with LZTR1-related conditions. For these reasons, this variant has been classified as Pathogenic.

Literature cited by the submitters: PubMed 24362817; PubMed 25335493; PubMed 25480913; PubMed 25795793; PubMed 29469822; PubMed 30368668; PubMed 30442762; PubMed 30442766; PubMed 30481304; PubMed 30859559.

NM_006767.4(LZTR1):c.1462del (p.Glu488fs)

Gene: LZTR1 (leucine zipper like post translational regulator 1; plus strand). Cytogenetic location: 22q11.21.
Variant type: Deletion.
Coding change: c.1462del on transcript NM_006767.4 (MANE Select); coding-DNA position 1462, one base deleted (G; older notation c.1462delG).
Protein change: p.Glu488fs; shifts the reading frame from glutamic acid 488.
Molecular consequence: frameshift variant.
Genome position (GRCh38, 1-based): chr22:20,994,116, G deleted; the last of 2 consecutive G bases (chr22:20,994,115-20,994,116); deleting either gives the same sequence. VCF-style (leftmost placement, unchanged base first): chr22-20994114-AG-A. GRCh37 (hg19) VCF-style: chr22-21348403-AG-A.
Other names: short protein forms E488fs.
Identifiers: ClinVar variation 4723684 (VCV004723684.1).